The following is an entry in ClinVar:

NM_004595.5(SMS):c.310A>T (p.Ser104Cys)

Gene: SMS (spermine synthase; plus strand). Cytogenetic location: Xp22.11.
Variant type: single nucleotide variant.
Coding change: c.310A>T on transcript NM_004595.5 (MANE Select); coding-DNA position 310, A replaced by T.
Protein change: p.Ser104Cys; replaces serine 104 with cysteine.
Molecular consequence: missense variant. On other transcripts: intron variant (1).
Genome position (GRCh38, 1-based): chrX:21,972,552, A>T. VCF-style: chrX-21972552-A-T. GRCh37 (hg19) VCF-style: chrX-21990670-A-T.
Other names: c.171-4509A>T (NM_001258423.2); short protein forms S104C.
Identifiers: ClinVar variation 3370689 (VCV003370689.1).

ClinVar aggregate classification (germline): Uncertain significance (1 of 4 stars; one submission).

gnomAD v4.1: 2 of 1,185,262 alleles (0.00017%); highest among the groups gnomAD compares: Non-Finnish European, 0.00023%; no homozygotes.

Submission:

GeneDx
Classification: Uncertain significance. Last evaluated: 2024-03-07. Review status: criteria provided, single submitter. Criteria: GeneDx Variant Classification Process June 2021. Collection method: clinical testing. Allele origin: germline. Affected: yes.
Comment: In silico analysis supports that this missense variant does not alter protein structure/function; Has not been previously published as pathogenic or benign to our knowledge